The following is an entry in ClinVar:

ClinVar aggregate classification (germline): Pathogenic (1 of 4 stars; one submission).

Submission:

CeGaT Center for Human Genetics Tuebingen
Classification: Pathogenic. Last evaluated: 2025-05-01. Review status: criteria provided, single submitter. Criteria: CeGaT Center For Human Genetics Tuebingen Variant Classification Criteria Version 2. Collection method: clinical testing. Allele origin: germline. Affected: yes. Observed: 1 variant allele.
Comment: BRWD3: PVS1, PM2, PS1:Supporting

NM_153252.5(BRWD3):c.3264-1G>T

Gene: BRWD3 (bromodomain and WD repeat domain containing 3; minus strand). Cytogenetic location: Xq21.1.
Variant type: single nucleotide variant.
Coding change: c.3264-1G>T on transcript NM_153252.5 (MANE Select); the canonical splice acceptor site of the intron before coding-DNA position 3264, G replaced by T.
Molecular consequence: splice acceptor variant.
Genome position (GRCh38, 1-based): chrX:80,692,151, C>A on the plus strand (G>T on the coding strand, the complement: BRWD3 is on the minus strand). VCF-style: chrX-80692151-C-A. GRCh37 (hg19) VCF-style: chrX-79947650-C-A.
Identifiers: ClinVar variation 3905818 (VCV003905818.10).